The following is an entry in ClinVar:

ClinVar aggregate classification (germline): Uncertain significance. Review status: criteria provided, multiple submitters, no conflicts (2 of 4 stars). 2 submissions from 2 submitters: Uncertain significance (2). Last evaluated 2024-06-02.

Conditions:
Inborn genetic diseases. Identifiers: MedGen C0950123, MeSH D030342.

Allele frequency attached by ClinVar (database versions not stated): gnomAD exomes below 0.00001; ExAC 0.00001.
gnomAD v4.1: 3 of 1,613,880 alleles (0.00019%); highest among the groups gnomAD compares: Non-Finnish European, 0.00025%; no homozygotes.

Submissions (2):

Ambry Genetics
Classification: Uncertain significance for Inborn genetic diseases. Last evaluated: 2024-06-02. Review status: criteria provided, single submitter. Criteria: Ambry Variant Classification Scheme 2023. Collection method: clinical testing. Allele origin: germline.

Labcorp Genetics (formerly Invitae), Labcorp
Classification: Uncertain significance. Last evaluated: 2021-10-14. Review status: criteria provided, single submitter. Criteria: Invitae Variant Classification Sherloc (09022015). Collection method: clinical testing. Allele origin: germline.
Comment: This sequence change replaces proline with arginine at codon 1104 of the USH2A protein (p.Pro1104Arg). The proline residue is highly conserved and there is a moderate physicochemical difference between proline and arginine. This variant is present in population databases (rs778168432, ExAC 0.001%). This variant has not been reported in the literature in individuals affected with USH2A-related conditions. Algorithms developed to predict the effect of missense changes on protein structure and function are either unavailable or do not agree on the potential impact of this missense change (SIFT: "Deleterious"; PolyPhen-2: "Probably Damaging"; Align-GVGD: "Class C0"). In summary, the available evidence is currently insufficient to determine the role of this variant in disease. Therefore, it has been classified as a Variant of Uncertain Significance.

NM_206933.4(USH2A):c.3311C>G (p.Pro1104Arg)

Genes: USH2A (usherin; minus strand), USH2A-AS1 (USH2A antisense RNA 1; plus strand). Cytogenetic location: 1q41.
Variant type: single nucleotide variant.
Coding change: c.3311C>G on transcript NM_206933.4 (MANE Select); coding-DNA position 3311, C replaced by G.
Protein change: p.Pro1104Arg; replaces proline 1104 with arginine.
Molecular consequence: missense variant.
Genome position (GRCh38, 1-based): chr1:216,207,278, G>C on the plus strand (C>G on the coding strand, the complement: USH2A is on the minus strand). VCF-style: chr1-216207278-G-C. GRCh37 (hg19) VCF-style: chr1-216380620-G-C.
Other names: c.3311C>G, p.Pro1104Arg (NM_007123.6); c.3311C>G (NM_206933.2); short protein forms P1104R.
Identifiers: ClinVar variation 1471818 (VCV001471818.6), dbSNP rs778168432, ClinGen allele CA1396038.